The following is an entry in ClinVar:

NM_152305.3(POGLUT1):c.547C>T (p.Arg183Trp)

Gene: POGLUT1 (protein O-glucosyltransferase 1; plus strand). Cytogenetic location: 3q13.33.
Variant type: single nucleotide variant.
Coding change: c.547C>T on transcript NM_152305.3 (MANE Select); coding-DNA position 547, C replaced by T.
Protein change: p.Arg183Trp; replaces arginine 183 with tryptophan.
Molecular consequence: missense variant. On other transcripts: non-coding transcript variant (1).
Genome position (GRCh38, 1-based): chr3:119,480,141, C>T. VCF-style: chr3-119480141-C-T. GRCh37 (hg19) VCF-style: chr3-119198988-C-T.
Other names: R183W; c.547C>T, p.Arg183Trp (NM_020231.3).
Identifiers: ClinVar variation 1708170 (VCV001708170.6), dbSNP rs566241791, ClinGen allele CA2554902.

ClinVar aggregate classification (germline): Uncertain significance. Review status: criteria provided, single submitter (1 of 4 stars). 2 submissions from 2 submitters: Uncertain significance (1). 1 of the submissions does not count toward it. Last evaluated 2025-11-18.

Conditions:
Autosomal recessive limb-girdle muscular dystrophy type 2R1 (LGMDR21). Also called: Muscular dystrophy, limb-girdle, type 2z; Autosomal recessive limb-girdle muscular dystrophy type 2Z. Identifiers: Orphanet 480682, MedGen C4310660, MONDO:0014977, OMIM 617232.

Allele frequency attached by ClinVar (database versions not stated): ExAC 0.00001; gnomAD exomes 0.00002; TOPMed 0.00003; gnomAD 0.00004.
gnomAD v4.1: 38 of 1,606,136 alleles (0.0024%); highest among the groups gnomAD compares: African/African-American, 0.012%; no homozygotes.

Submissions (2):

Labcorp Genetics (formerly Invitae), Labcorp
Classification: Uncertain significance. Last evaluated: 2025-11-18. Review status: criteria provided, single submitter. Criteria: Invitae Variant Classification Sherloc (09022015). Collection method: clinical testing. Allele origin: germline.
Comment: This sequence change replaces arginine, which is basic and polar, with tryptophan, which is neutral and slightly polar, at codon 183 of the POGLUT1 protein (p.Arg183Trp). This variant is present in population databases (rs566241791, gnomAD 0.02%). This missense change has been observed in individual(s) with autosomal recessive limb-girdle muscular dystrophy (PMID: 31897643). ClinVar contains an entry for this variant (Variation ID: 1708170). An algorithm developed to predict the effect of missense changes on protein structure and function (PolyPhen-2) suggests that this variant is likely to be disruptive. Experimental studies have shown that this missense change affects POGLUT1 function (PMID: 31897643). In summary, the available evidence is currently insufficient to determine the role of this variant in disease. Therefore, it has been classified as a Variant of Uncertain Significance.

OMIM
Classification: Pathogenic for MUSCULAR DYSTROPHY, LIMB-GIRDLE, AUTOSOMAL RECESSIVE 21. Last evaluated: 2022-10-04. Review status: no assertion criteria provided. Collection method: literature only. Allele origin: germline. Not counted in ClinVar's aggregate classification.

Literature cited by the submitters: PubMed 31897643 (cited by Labcorp Genetics (formerly Invitae), Labcorp and OMIM).